The following is an entry in ClinVar:

ClinVar aggregate classification (germline): Uncertain significance (1 of 4 stars; one submission).

Allele frequency attached by ClinVar (database versions not stated): gnomAD 0.00001.
gnomAD v4.1: 1 of 1,613,950 alleles (0.000062%); highest among the groups gnomAD compares: African/African-American, 0.0013%; no homozygotes.

Submission:

Labcorp Genetics (formerly Invitae), Labcorp
Classification: Uncertain significance. Last evaluated: 2024-11-18. Review status: criteria provided, single submitter. Criteria: Invitae Variant Classification Sherloc (09022015). Collection method: clinical testing. Allele origin: germline.
Comment: This sequence change replaces serine, which is neutral and polar, with leucine, which is neutral and non-polar, at codon 719 of the MTTP protein (p.Ser719Leu). This variant is not present in population databases (gnomAD no frequency). This variant has not been reported in the literature in individuals affected with MTTP-related conditions. ClinVar contains an entry for this variant (Variation ID: 1432190). Invitae Evidence Modeling of protein sequence and biophysical properties (such as structural, functional, and spatial information, amino acid conservation, physicochemical variation, residue mobility, and thermodynamic stability) indicates that this missense variant is not expected to disrupt MTTP protein function with a negative predictive value of 80%. In summary, the available evidence is currently insufficient to determine the role of this variant in disease. Therefore, it has been classified as a Variant of Uncertain Significance.

NM_001386140.1(MTTP):c.2156C>T (p.Ser719Leu)

Gene: MTTP (microsomal triglyceride transfer protein; plus strand). Cytogenetic location: 4q23.
Variant type: single nucleotide variant.
Coding change: c.2156C>T on transcript NM_001386140.1 (MANE Select); coding-DNA position 2156, C replaced by T.
Protein change: p.Ser719Leu; replaces serine 719 with leucine.
Molecular consequence: missense variant.
Genome position (GRCh38, 1-based): chr4:99,613,079, C>T. VCF-style: chr4-99613079-C-T. GRCh37 (hg19) VCF-style: chr4-100534236-C-T.
Other names: c.2156C>T, p.Ser719Leu (NM_000253.4); c.1907C>T, p.Ser636Leu (NM_001300785.2); short protein forms S719L, S636L.
Identifiers: ClinVar variation 1432190 (VCV001432190.7), dbSNP rs1726002220, ClinGen allele CA357517262.